The following is an entry in ClinVar:

NM_000218.3(KCNQ1):c.1699A>G (p.Ile567Val)

Gene: KCNQ1 (potassium voltage-gated channel subfamily Q member 1; plus strand). Cytogenetic location: 11p15.5.
Variant type: single nucleotide variant.
Coding change: c.1699A>G on transcript NM_000218.3 (MANE Select); coding-DNA position 1699, A replaced by G.
Protein change: p.Ile567Val; replaces isoleucine 567 with valine.
Molecular consequence: missense variant.
Genome position (GRCh38, 1-based): chr11:2,776,999, A>G. VCF-style: chr11-2776999-A-G. GRCh37 (hg19) VCF-style: chr11-2798229-A-G.
Other names: c.1603A>G, p.Ile535Val (NM_001406836.1); c.1429A>G, p.Ile477Val (NM_001406837.1); c.1159A>G, p.Ile387Val (NM_001406838.1); c.1318A>G, p.Ile440Val (NM_181798.2); short protein forms I567V, I387V, I440V, I535V, I477V.
Identifiers: ClinVar variation 1986225 (VCV001986225.4), dbSNP rs1846717292, ClinGen allele CA379139288.

ClinVar aggregate classification (germline): Uncertain significance (1 of 4 stars; one submission).

Conditions:
Long QT syndrome (LQTS). Identifiers: MedGen C0023976, MeSH D008133, MONDO:0002442. Disease mechanism: loss of function. Inheritance: Various modes of inheritance.

Submission:

Labcorp Genetics (formerly Invitae), Labcorp
Classification: Uncertain significance for Long QT syndrome. Last evaluated: 2022-08-04. Review status: criteria provided, single submitter. Criteria: Invitae Variant Classification Sherloc (09022015). Collection method: clinical testing. Allele origin: germline.
Comment: This variant is not present in population databases (gnomAD no frequency). This sequence change replaces isoleucine, which is neutral and non-polar, with valine, which is neutral and non-polar, at codon 567 of the KCNQ1 protein (p.Ile567Val). This variant has not been reported in the literature in individuals affected with KCNQ1-related conditions. In summary, the available evidence is currently insufficient to determine the role of this variant in disease. Therefore, it has been classified as a Variant of Uncertain Significance. This variant disrupts the p.Ile567 amino acid residue in KCNQ1. Other variant(s) that disrupt this residue have been determined to be pathogenic (PMID: 16414944, 22429796, 24372464; Invitae). This suggests that this residue is clinically significant, and that variants that disrupt this residue are likely to be disease-causing. Algorithms developed to predict the effect of missense changes on protein structure and function (SIFT, PolyPhen-2, Align-GVGD) all suggest that this variant is likely to be tolerated.

Literature cited by the submitters: PubMed 16414944; PubMed 22429796; PubMed 24372464.